The following is an entry in ClinVar:

ClinVar aggregate classification (germline): Likely benign. Review status: criteria provided, multiple submitters, no conflicts (2 of 4 stars). 4 submissions from 4 submitters: Likely benign (3). 1 of the submissions does not count toward it. Last evaluated 2024-11-01.

Conditions:
CANT1-related disorder. Also called: CANT1-related condition.

Allele frequency attached by ClinVar (database versions not stated): gnomAD exomes 0.00047; ExAC 0.00065; gnomAD 0.00151 and 0.00160; 1000 Genomes Project 30x 0.00156; 1000 Genomes Project 0.00160; ESP Exome Variant Server 0.00169; TOPMed 0.00192.
gnomAD v4.1: 524 of 1,614,176 alleles (0.032%); highest among the groups gnomAD compares: African/African-American, 0.43%; 1 homozygote.

Submissions (4):

Blueprint Genetics
Classification: Likely benign. Last evaluated: 2024-11-01. Review status: criteria provided, single submitter. Criteria: ACMG Guidelines, 2015. Collection method: clinical testing. Allele origin: germline.

Eurofins Ntd Llc (ga)
Classification: Likely benign. Last evaluated: 2015-06-10. Review status: criteria provided, single submitter. Criteria: EGL Classification Definitions 2015. Collection method: clinical testing. Allele origin: germline. Observed: 1 variant allele, 1 heterozygote.

Breakthrough Genomics
Classification: Likely benign. Review status: criteria provided, single submitter. Criteria: ACMG Guidelines, 2015. Collection method: not provided. Allele origin: germline. Inheritance: Autosomal recessive inheritance. Affected: yes.

PreventionGenetics, part of Exact Sciences
Classification: Likely benign for CANT1-related condition. Last evaluated: 2023-01-03. Review status: no assertion criteria provided. Collection method: clinical testing. Allele origin: germline. Not counted in ClinVar's aggregate classification.
Comment: This variant is classified as likely benign based on ACMG/AMP sequence variant interpretation guidelines (Richards et al. 2015 PMID: 25741868, with internal and published modifications).

NM_001159773.2(CANT1):c.*9G>A

Gene: CANT1 (calcium activated nucleotidase 1; minus strand). Cytogenetic location: 17q25.3.
Variant type: single nucleotide variant.
Coding change: c.*9G>A on transcript NM_001159773.2 (MANE Select); 9 bases downstream of the stop codon, G replaced by A.
Molecular consequence: 3 prime UTR variant.
Genome position (GRCh38, 1-based): chr17:78,993,541, C>T on the plus strand (G>A on the coding strand, the complement: CANT1 is on the minus strand). VCF-style: chr17-78993541-C-T. GRCh37 (hg19) VCF-style: chr17-76989623-C-T.
Other names: c.*9G>A (NM_001159772.2, NM_138793.4, NM_138793.3).
Identifiers: ClinVar variation 281345 (VCV000281345.9), dbSNP rs190867364, ClinGen allele CA8808484.